The following is an entry in ClinVar:

ClinVar aggregate classification (germline): Uncertain significance. Review status: criteria provided, multiple submitters, no conflicts (2 of 4 stars). 2 submissions from 2 submitters: Uncertain significance (2). Last evaluated 2024-09-10.

Conditions:
Cone-rod dystrophy 15 (CORD15). Identifiers: MedGen C3150912, MONDO:0013348, OMIM 613660.

Allele frequency attached by ClinVar (database versions not stated): gnomAD exomes 0.00003 and 0.00004; ExAC 0.00004.

Submissions (2):

Labcorp Genetics (formerly Invitae), Labcorp
Classification: Uncertain significance. Last evaluated: 2024-09-10. Review status: criteria provided, single submitter. Criteria: Invitae Variant Classification Sherloc (09022015). Collection method: clinical testing. Allele origin: germline.
Comment: This sequence change replaces asparagine, which is neutral and polar, with aspartic acid, which is acidic and polar, at codon 623 of the CDHR1 protein (p.Asn623Asp). This variant is present in population databases (rs754717589, gnomAD 0.03%). This variant has not been reported in the literature in individuals affected with CDHR1-related conditions. ClinVar contains an entry for this variant (Variation ID: 301249). Invitae Evidence Modeling of protein sequence and biophysical properties (such as structural, functional, and spatial information, amino acid conservation, physicochemical variation, residue mobility, and thermodynamic stability) indicates that this missense variant is not expected to disrupt CDHR1 protein function with a negative predictive value of 80%. In summary, the available evidence is currently insufficient to determine the role of this variant in disease. Therefore, it has been classified as a Variant of Uncertain Significance.

Illumina Laboratory Services, Illumina
Classification: Uncertain significance for Cone-rod dystrophy 15. Last evaluated: 2018-01-13. Review status: criteria provided, single submitter. Criteria: ICSL Variant Classification Criteria 13 December 2019. Collection method: clinical testing. Allele origin: germline.

NM_033100.4(CDHR1):c.1867A>G (p.Asn623Asp)

Gene: CDHR1 (cadherin related family member 1; plus strand). Cytogenetic location: 10q23.1.
Variant type: single nucleotide variant.
Coding change: c.1867A>G on transcript NM_033100.4 (MANE Select); coding-DNA position 1867, A replaced by G.
Protein change: p.Asn623Asp; replaces asparagine 623 with aspartic acid.
Molecular consequence: missense variant.
Genome position (GRCh38, 1-based): chr10:84,213,175, A>G. VCF-style: chr10-84213175-A-G. GRCh37 (hg19) VCF-style: chr10-85972931-A-G.
Other names: c.1867A>G, p.Asn623Asp (NM_001171971.3); short protein forms N623D.
Identifiers: ClinVar variation 301249 (VCV000301249.7), dbSNP rs754717589, ClinGen allele CA5580078.